The following is an entry in ClinVar:

NM_024675.4(PALB2):c.2272delinsGA (p.Pro758fs)

Gene: PALB2 (partner and localizer of BRCA2; minus strand). Cytogenetic location: 16p12.2.
Variant type: Indel.
Coding change: c.2272delinsGA on transcript NM_024675.4 (MANE Select); coding-DNA position 2272, C replaced by GA.
Protein change: p.Pro758fs; shifts the reading frame from proline 758.
Molecular consequence: frameshift variant. On other transcripts: intron variant (1).
Genome position (GRCh38, 1-based): chr16:23,629,882, G replaced by TC on the plus strand (C replaced by GA on the coding strand, the reverse complement: PALB2 is on the minus strand). VCF-style: chr16-23629882-G-TC. GRCh37 (hg19) VCF-style: chr16-23641203-G-TC.
Other names: c.2212delinsGA, p.Pro738fs (NM_001407296.1); c.2272delinsGA, p.Pro758fs (NM_001407297.1, NM_001407298.1, NM_001407299.1 and 3 more transcripts); c.1387delinsGA, p.Pro463fs (NM_001407304.1, NM_001407305.1, NM_001407306.1 and 5 more transcripts); c.484delinsGA, p.Pro162fs (NM_001407312.1, NM_001407313.1); c.49-607delinsGA (NM_001407314.1); c.2272delCinsGA (NM_024675.4); short protein forms P162fs, P463fs, P738fs, P758fs.
Identifiers: ClinVar variation 3367096 (VCV003367096.1).

ClinVar aggregate classification (germline): Likely pathogenic (1 of 4 stars; one submission).

Conditions:
Familial cancer of breast. Also called: BREAST CANCER, FAMILIAL; hereditary breast carcinoma; Hereditary breast cancer. Identifiers: Orphanet 227535, MedGen C0346153, MONDO:0016419, OMIM 114480. Disease mechanism: loss of function.

Submission:

Neuberg Centre For Genomic Medicine, NCGM
Classification: Likely pathogenic for Familial cancer of breast. Last evaluated: 2023-05-20. Review status: criteria provided, single submitter. Criteria: ACMG Guidelines, 2015. Collection method: clinical testing. Allele origin: germline. Inheritance: Autosomal dominant inheritance. Affected: yes.
Comment: The observed frameshift c.2272delCinsGA (p.Pro758AspfsTer15) variant in PALB2 gene has not been reported previously as a pathogenic variant nor as a benign variant, to our knowledge. This variant is absent in gnomAD Exomes. This variant causes a frameshift starting with codon Proline 758, changes this amino acid to Histidine residue, and creates a premature Stop codon at position 15 of the new reading frame, denoted p.Pro758HisfsTer15. This variant is predicted to cause loss of normal protein function through protein truncation. Loss of function variants have been previously reported to be disease causing. For these reasons, this variant has been classified as Likely Pathogenic.